The following is an entry in ClinVar:

NM_033026.6(PCLO):c.248+8C>A

Gene: PCLO (piccolo presynaptic cytomatrix protein; minus strand). Cytogenetic location: 7q21.11.
Variant type: single nucleotide variant.
Coding change: c.248+8C>A on transcript NM_033026.6 (MANE Select); 8 bases into the intron after coding-DNA position 248, C replaced by A.
Molecular consequence: intron variant.
Genome position (GRCh38, 1-based): chr7:83,162,337, G>T on the plus strand (C>A on the coding strand, the complement: PCLO is on the minus strand). VCF-style: chr7-83162337-G-T. GRCh37 (hg19) VCF-style: chr7-82791653-G-T.
Other names: c.248+8C>A (NM_014510.3).
Identifiers: ClinVar variation 810118 (VCV000810118.47), dbSNP rs377422284, ClinGen allele CA4321724.

ClinVar aggregate classification (germline): Benign/Likely benign. Review status: criteria provided, multiple submitters, no conflicts (2 of 4 stars). 2 submissions from 2 submitters: Benign (1); Likely benign (1). Last evaluated 2026-01-17.

Allele frequency attached by ClinVar (database versions not stated): gnomAD 0.00045; 1000 Genomes Project 30x 0.00047; 1000 Genomes Project 0.00060; TOPMed 0.00061; ESP Exome Variant Server 0.00095.
gnomAD v4.1: 796 of 1,593,518 alleles (0.05%); highest among the groups gnomAD compares: Middle Eastern, 0.22%; 3 homozygotes.

Submissions (2):

Labcorp Genetics (formerly Invitae), Labcorp
Classification: Benign. Last evaluated: 2026-01-17. Review status: criteria provided, single submitter. Criteria: Invitae Variant Classification Sherloc (09022015). Collection method: clinical testing. Allele origin: germline.

CeGaT Center for Human Genetics Tuebingen
Classification: Likely benign. Last evaluated: 2025-09-01. Review status: criteria provided, single submitter. Criteria: CeGaT Center For Human Genetics Tuebingen Variant Classification Criteria Version 2. Collection method: clinical testing. Allele origin: germline. Affected: yes. Observed: 4 variant alleles.
Comment: PCLO: BP4